The following is an entry in ClinVar:

ClinVar aggregate classification (germline): Likely benign (0 of 4 stars; one submission).

Conditions:
ATP2C2-related disorder. Also called: ATP2C2-related condition.

gnomAD v4.1: 19 of 1,609,102 alleles (0.0012%); highest among the groups gnomAD compares: East Asian, 0.025%; no homozygotes.

Submission:

PreventionGenetics, part of Exact Sciences
Classification: Likely benign for ATP2C2-related condition. Last evaluated: 2019-03-20. Review status: no assertion criteria provided. Collection method: clinical testing. Allele origin: germline.
Comment: This variant is classified as likely benign based on ACMG/AMP sequence variant interpretation guidelines (Richards et al. 2015 PMID: 25741868, with internal and published modifications).

NM_014861.4(ATP2C2):c.2481+7G>A

Genes: ATP2C2 (ATPase secretory pathway Ca2+ transporting 2; plus strand), ATP2C2-AS1 (ATP2C2 antisense RNA 1; minus strand). Cytogenetic location: 16q24.1.
Variant type: single nucleotide variant.
Coding change: c.2481+7G>A on transcript NM_014861.4 (MANE Select); 7 bases into the intron after coding-DNA position 2481, G replaced by A.
Molecular consequence: intron variant. On other transcripts: non-coding transcript variant (1).
Genome position (GRCh38, 1-based): chr16:84,460,808, G>A. VCF-style: chr16-84460808-G-A. GRCh37 (hg19) VCF-style: chr16-84494414-G-A.
Other names: c.2568+7G>A (NM_001286527.3); c.2028+7G>A (NM_001291454.2).
Identifiers: ClinVar variation 3057983 (VCV003057983.2), dbSNP rs115593981, ClinGen allele CA8208391.
Genomic context (GRCh38, chr16:84,460,808, plus strand): 5'-CTCATGTCCGCGGCCATCATCATCAGCGGGACCCTCTTTATCTTCTGGAAGGAGGTGAGC[G>A]AGGGTCACCCCGGCCTGTTCTCCAAGCCCTGGTGCGGTGCAGACGCTGGGGACTGCAGTC-3'